The following is an entry in ClinVar:

NM_000051.4(ATM):c.8463G>T (p.Met2821Ile)

Genes: ATM (ATM serine/threonine kinase; plus strand), C11orf65 (chromosome 11 open reading frame 65; minus strand). Cytogenetic location: 11q22.3.
Variant type: single nucleotide variant.
Coding change: c.8463G>T on transcript NM_000051.4 (MANE Select); coding-DNA position 8463, G replaced by T.
Protein change: p.Met2821Ile; replaces methionine 2821 with isoleucine.
Molecular consequence: missense variant. On other transcripts: intron variant (2).
Genome position (GRCh38, 1-based): chr11:108,345,787, G>T. VCF-style: chr11-108345787-G-T. GRCh37 (hg19) VCF-style: chr11-108216514-G-T.
Other names: c.8463G>T, p.Met2821Ile (NM_001351834.2); c.641-36716C>A (NM_001330368.2); c.695-10495C>A (NM_001351110.2); short protein forms M2821I.
Identifiers: ClinVar variation 2453942 (VCV002453942.2), dbSNP rs2088273857, ClinGen allele CA382517953.

ClinVar aggregate classification (germline): Uncertain significance (1 of 4 stars; one submission).

Conditions:
Hereditary cancer-predisposing syndrome. Also called: Tumor predisposition; Hereditary Cancer Syndrome; Hereditary neoplastic syndrome; Neoplastic Syndromes, Hereditary. Identifiers: Orphanet 140162, MedGen C0027672, MeSH D009386, MONDO:0015356.

Submission:

Ambry Genetics
Classification: Uncertain significance for Hereditary cancer-predisposing syndrome. Last evaluated: 2022-12-12. Review status: criteria provided, single submitter. Criteria: Ambry Variant Classification Scheme 2023. Collection method: clinical testing. Allele origin: germline.
Comment: The p.M2821I variant (also known as c.8463G>T), located in coding exon 57 of the ATM gene, results from a G to T substitution at nucleotide position 8463. The methionine at codon 2821 is replaced by isoleucine, an amino acid with highly similar properties. This amino acid position is conserved. In addition, this alteration is predicted to be tolerated by in silico analysis. Since supporting evidence is limited at this time, the clinical significance of this alteration remains unclear.